The following is an entry in ClinVar:

NM_006005.3(WFS1):c.1832G>A (p.Arg611His)

Gene: WFS1 (wolframin ER transmembrane glycoprotein; plus strand). Cytogenetic location: 4p16.1.
Variant type: single nucleotide variant.
Coding change: c.1832G>A on transcript NM_006005.3 (MANE Select); coding-DNA position 1832, G replaced by A.
Protein change: p.Arg611His; replaces arginine 611 with histidine.
Molecular consequence: missense variant.
Genome position (GRCh38, 1-based): chr4:6,301,627, G>A. VCF-style: chr4-6301627-G-A. GRCh37 (hg19) VCF-style: chr4-6303354-G-A.
Other names: c.1832G>A, p.Arg611His (NM_001145853.1); short protein forms R611H.
Identifiers: ClinVar variation 45442 (VCV000045442.49), dbSNP rs734312, ClinGen allele CA136340.

ClinVar aggregate classification (germline): Benign/Likely benign. Review status: criteria provided, multiple submitters, no conflicts (2 of 4 stars). 17 submissions from 16 submitters: Benign (12); Likely benign (1). 4 of the submissions do not count toward it. Last evaluated 2026-02-04.

Conditions:
WFS1-Related Spectrum Disorders.
Autosomal dominant nonsyndromic hearing loss 6 (LFSNHL). Also called: Autosomal dominant nonsyndromic deafness 6; DEAFNESS, AUTOSOMAL DOMINANT 6; DEAFNESS, AUTOSOMAL DOMINANT 14; DEAFNESS, AUTOSOMAL DOMINANT 38. Identifiers: Orphanet 90635, MedGen C1833021, MONDO:0010963, OMIM 600965.
Wolfram syndrome 1 (WFS1). Identifiers: Orphanet 3463, MedGen C4551693, MONDO:0009101, OMIM 222300.

Allele frequency attached by ClinVar (database versions not stated): 1000 Genomes Project 30x 0.45878; ESP Exome Variant Server 0.40120; 1000 Genomes Project 0.46925; gnomAD exomes 0.54398 and 0.55214; TOPMed 0.42510; ExAC 0.53670; gnomAD 0.43085.
gnomAD v4.1: 860,577 of 1,613,864 alleles (53%); highest among the groups gnomAD compares: East Asian, 84%; 240,154 homozygotes.

Submissions (17):

Labcorp Genetics (formerly Invitae), Labcorp
Classification: Benign. Last evaluated: 2026-02-04. Review status: criteria provided, single submitter. Criteria: Invitae Variant Classification Sherloc (09022015). Collection method: clinical testing. Allele origin: germline.

ARUP Laboratories, Molecular Genetics and Genomics, ARUP Laboratories
Classification: Benign. Last evaluated: 2025-07-30. Review status: criteria provided, single submitter. Criteria: ARUP Molecular Germline Variant Investigation Process 2024. Collection method: clinical testing. Allele origin: germline.

Blueprint Genetics
Classification: Benign. Last evaluated: 2024-11-27. Review status: criteria provided, single submitter. Criteria: ACMG Guidelines, 2015. Collection method: clinical testing. Allele origin: germline.

Mayo Clinic Laboratories, Mayo Clinic
Classification: Benign. Last evaluated: 2023-01-05. Review status: criteria provided, single submitter. Criteria: ACMG Guidelines, 2015. Collection method: clinical testing. Allele origin: germline. Observed: 483 variant alleles.
Comment: BA1

Mendelics
Classification: Benign for Wolfram syndrome 1. Last evaluated: 2019-05-28. Review status: criteria provided, single submitter. Criteria: Mendelics Assertion Criteria 2017. Collection method: clinical testing. Allele origin: unknown.

Illumina Laboratory Services, Illumina
Classification: Benign for Autosomal dominant nonsyndromic hearing loss 6. Last evaluated: 2017-04-27. Review status: criteria provided, single submitter. Criteria: ICSL Variant Classification Criteria 13 December 2019. Collection method: clinical testing. Allele origin: germline.
Comment: This variant was observed as part of a predisposition screen in an ostensibly healthy population. A literature search was performed for the gene, cDNA change, and amino acid change (where applicable). No publications were found based on this search. Allele frequency data from public databases was too high to be consistent with this variant causing disease. Therefore, this variant is classified as benign.

Illumina Laboratory Services, Illumina
Classification: Benign for WFS1-Related Spectrum Disorders. Last evaluated: 2017-04-27. Review status: criteria provided, single submitter. Criteria: ICSL Variant Classification Criteria 13 December 2019. Collection method: clinical testing. Allele origin: germline.
Comment: the same text as in the submission from Illumina Laboratory Services, Illumina above.

GeneDx
Classification: Benign. Last evaluated: 2015-03-03. Review status: criteria provided, single submitter. Criteria: GeneDx Variant Classification Process June 2021. Collection method: clinical testing. Allele origin: germline. Affected: yes.
Comment: This variant is associated with the following publications: (PMID: 24477584, 23257691, 30232070, 27398621, 10679252, 19328217, 17719176, 24464100, 23595122, 12707947)

Eurofins Ntd Llc (ga)
Classification: Benign. Last evaluated: 2013-07-30. Review status: criteria provided, single submitter. Criteria: EGL Classification Definitions 2015. Collection method: clinical testing. Allele origin: germline. Observed: 36 variant alleles, 20 heterozygotes, 16 homozygotes.

Laboratory for Molecular Medicine, Mass General Brigham Personalized Medicine
Classification: Benign. Last evaluated: 2012-02-28. Review status: criteria provided, single submitter. Criteria: LMM Criteria. Collection method: clinical testing. Allele origin: germline. Observed: 1,200 variant alleles.

Breakthrough Genomics
Classification: Benign. Review status: criteria provided, single submitter. Criteria: ACMG Guidelines, 2015. Collection method: not provided. Allele origin: germline. Inheritance: Autosomal recessive inheritance. Affected: yes.

Clinical Genomics, Uppaluri K&H Personalized Medicine Clinic
Classification: Likely benign for Wolfram syndrome 1. Review status: criteria provided, single submitter. Criteria: K & H Uppaluri Personalized Medicine Clinic Variant Classification & Assertion Criteria_Updated V.1. Collection method: research. Allele origin: unknown. Inheritance: Autosomal recessive inheritance.
Comment: Mutations in WFS1 gene are associated with Wolfram's syndrome, an autosomal recessive condition, which cause diabetes mellitus, diabetes insipidus, deafness and optic atrophy. rs734312 variant is also seen in patients with Diabetes Mellitus. However, the role of this particular variant is yet to be ascertained.

PreventionGenetics, part of Exact Sciences
Classification: Benign. Review status: criteria provided, single submitter. Criteria: ACMG Guidelines, 2015. Collection method: clinical testing. Allele origin: germline.

Clinical Genetics DNA and cytogenetics Diagnostics Lab, Erasmus MC, Erasmus Medical Center
Classification: Benign. Review status: no assertion criteria provided. Collection method: clinical testing. Allele origin: germline. Affected: yes. Study: VKGL Data-share Consensus. Not counted in ClinVar's aggregate classification.

Diagnostic Laboratory, Department of Genetics, University Medical Center Groningen
Classification: Benign. Review status: no assertion criteria provided. Collection method: clinical testing. Allele origin: germline. Affected: yes. Study: VKGL Data-share Consensus. Not counted in ClinVar's aggregate classification.

Genetic Services Laboratory, University of Chicago
Classification: Likely benign for AllHighlyPenetrant. Review status: no assertion criteria provided. Collection method: clinical testing. Allele origin: germline. Inheritance: Autosomal recessive inheritance. Not counted in ClinVar's aggregate classification.
Comment: Likely benign based on allele frequency in 1000 Genomes Project or ESP global frequency and its presence in a patient with a rare or unrelated disease phenotype. NOT Sanger confirmed.

Joint Genome Diagnostic Labs from Nijmegen and Maastricht, Radboudumc and MUMC+
Classification: Benign. Review status: no assertion criteria provided. Collection method: clinical testing. Allele origin: germline. Affected: yes. Study: VKGL Data-share Consensus. Not counted in ClinVar's aggregate classification.

Literature cited by the submitters: PubMed 34803393 (cited by Clinical Genomics, Uppaluri K&H Personalized Medicine Clinic); PubMed 23257691 (cited by Clinical Genomics, Uppaluri K&H Personalized Medicine Clinic); PubMed 28870582 (cited by Clinical Genomics, Uppaluri K&H Personalized Medicine Clinic); PubMed 18040659 (cited by Clinical Genomics, Uppaluri K&H Personalized Medicine Clinic).